The following is an entry in ClinVar:

NM_058163.3(TSR2):c.507A>G (p.Pro169=)

Gene: TSR2 (TSR2 ribosome maturation factor; plus strand). Cytogenetic location: Xp11.22.
Variant type: single nucleotide variant.
Coding change: c.507A>G on transcript NM_058163.3 (MANE Select); coding-DNA position 507, A replaced by G.
Protein change: p.Pro169=; no amino-acid change (proline 169 retained).
Molecular consequence: synonymous variant.
Genome position (GRCh38, 1-based): chrX:54,444,481, A>G. VCF-style: chrX-54444481-A-G. GRCh37 (hg19) VCF-style: chrX-54470914-A-G.
Other names: c.498A>G, p.Pro166= (NM_001346789.2); c.222A>G, p.Pro74= (NM_001346790.2, NM_001346791.2, NM_001346792.2).
Identifiers: ClinVar variation 2876309 (VCV002876309.3), dbSNP rs1370514349, ClinGen allele CA516697757.

ClinVar aggregate classification (germline): Uncertain significance (1 of 4 stars; one submission).

Allele frequency attached by ClinVar (database versions not stated): gnomAD exomes below 0.00001; gnomAD 0.00001.
gnomAD v4.1: 3 of 1,208,209 alleles (0.00025%); highest among the groups gnomAD compares: Admixed American, 0.0044%; no homozygotes.

Submission:

Labcorp Genetics (formerly Invitae), Labcorp
Classification: Uncertain significance. Last evaluated: 2023-08-23. Review status: criteria provided, single submitter. Criteria: Invitae Variant Classification Sherloc (09022015). Collection method: clinical testing. Allele origin: germline.
Comment: In summary, the available evidence is currently insufficient to determine the role of this variant in disease. Therefore, it has been classified as a Variant of Uncertain Significance. This variant has not been reported in the literature in individuals affected with TSR2-related conditions. This variant is present in population databases (no rsID available, gnomAD 0.004%). This sequence change affects codon 169 of the TSR2 mRNA. It is a 'silent' change, meaning that it does not change the encoded amino acid sequence of the TSR2 protein.